The following is an entry in ClinVar:

ClinVar aggregate classification (germline): Uncertain significance (1 of 4 stars; one submission).

Submission:

GeneDx
Classification: Uncertain significance. Last evaluated: 2023-08-08. Review status: criteria provided, single submitter. Criteria: GeneDx Variant Classification Process June 2021. Collection method: clinical testing. Allele origin: germline. Affected: yes.
Comment: Not observed at significant frequency in large population cohorts (gnomAD); In silico analysis supports that this missense variant has a deleterious effect on protein structure/function; Has not been previously published as pathogenic or benign to our knowledge

NM_005149.3(TBX19):c.146C>T (p.Pro49Leu)

Gene: TBX19 (T-box transcription factor 19; plus strand). Cytogenetic location: 1q24.2.
Variant type: single nucleotide variant.
Coding change: c.146C>T on transcript NM_005149.3 (MANE Select); coding-DNA position 146, C replaced by T.
Protein change: p.Pro49Leu; replaces proline 49 with leucine.
Molecular consequence: missense variant.
Genome position (GRCh38, 1-based): chr1:168,281,236, C>T. VCF-style: chr1-168281236-C-T. GRCh37 (hg19) VCF-style: chr1-168250474-C-T.
Other names: short protein forms P49L.
Identifiers: ClinVar variation 3361868 (VCV003361868.1).